The following is an entry in ClinVar:

ClinVar aggregate classification (germline): Uncertain significance (1 of 4 stars; one submission).

Conditions:
Immunodeficiency 35 (IMD35). Also called: TYK2 DEFICIENCY; HIES WITH ATYPICAL MYCOBACTERIOSIS, AUTOSOMAL RECESSIVE; HYPER-IgE SYNDROME WITH ATYPICAL MYCOBACTERIOSIS, AUTOSOMAL RECESSIVE; Susceptibility to infection due to TYK2 deficiency. Identifiers: Orphanet 331226, MedGen C1969086, MONDO:0012682, OMIM 611521.

Allele frequency attached by ClinVar (database versions not stated): TOPMed below 0.00001.

Submission:

Labcorp Genetics (formerly Invitae), Labcorp
Classification: Uncertain significance for Immunodeficiency 35. Last evaluated: 2022-10-17. Review status: criteria provided, single submitter. Criteria: Invitae Variant Classification Sherloc (09022015). Collection method: clinical testing. Allele origin: germline.
Comment: In summary, the available evidence is currently insufficient to determine the role of this variant in disease. Therefore, it has been classified as a Variant of Uncertain Significance. Advanced modeling of protein sequence and biophysical properties (such as structural, functional, and spatial information, amino acid conservation, physicochemical variation, residue mobility, and thermodynamic stability) performed at Invitae indicates that this missense variant is not expected to disrupt TYK2 protein function. This variant has not been reported in the literature in individuals affected with TYK2-related conditions. This variant is not present in population databases (gnomAD no frequency). This sequence change replaces arginine, which is basic and polar, with glycine, which is neutral and non-polar, at codon 521 of the TYK2 protein (p.Arg521Gly).

NM_003331.5(TYK2):c.1561C>G (p.Arg521Gly)

Gene: TYK2 (tyrosine kinase 2; minus strand). Cytogenetic location: 19p13.2.
Variant type: single nucleotide variant.
Coding change: c.1561C>G on transcript NM_003331.5 (MANE Select); coding-DNA position 1561, C replaced by G.
Protein change: p.Arg521Gly; replaces arginine 521 with glycine.
Molecular consequence: missense variant. On other transcripts: intron variant (1).
Genome position (GRCh38, 1-based): chr19:10,362,372, G>C on the plus strand (C>G on the coding strand, the complement: TYK2 is on the minus strand). VCF-style: chr19-10362372-G-C. GRCh37 (hg19) VCF-style: chr19-10473048-G-C.
Other names: c.1561C>G, p.Arg521Gly (NM_001385197.1, NM_001385198.1, NM_001385199.1 and 6 more transcripts); c.1363C>G, p.Arg455Gly (NM_001385201.1); c.1471C>G, p.Arg491Gly (NM_001385205.1); c.1477-42C>G (NM_001385206.1); short protein forms R455G, R491G, R521G.
Identifiers: ClinVar variation 1967285 (VCV001967285.5), dbSNP rs56299955, ClinGen allele CA305204785.